The following is an entry in ClinVar:

NM_031433.4(MFRP):c.1025A>C (p.Gln342Pro)

Genes: C1QTNF5 (C1q and TNF related 5; minus strand), MFRP (membrane frizzled-related protein; minus strand). Cytogenetic location: 11q23.3.
Variant type: single nucleotide variant.
Coding change: c.1025A>C on transcript NM_031433.4 (MANE Select); coding-DNA position 1025, A replaced by C.
Protein change: p.Gln342Pro; replaces glutamine 342 with proline.
Molecular consequence: missense variant. On other transcripts: 5 prime UTR variant (1).
Genome position (GRCh38, 1-based): chr11:119,343,915, T>G on the plus strand (A>C on the coding strand, the complement: MFRP is on the minus strand). VCF-style: chr11-119343915-T-G. GRCh37 (hg19) VCF-style: chr11-119214625-T-G.
Other names: c.-1612A>C (NM_015645.5); short protein forms Q342P.
Identifiers: ClinVar variation 943503 (VCV000943503.10), dbSNP rs1950529608, ClinGen allele CA382975493.
Genomic context (GRCh38, chr11:119,343,915, plus strand): 5'-TACACCTCCACGTAGTCAAACTTGCACTCGTCCTGAGCCTCCAGGCTGAAGTTGTGGAAC[T>G]GTAGTTCTATGCTGTGTCCGGCAGGCACCGAGATATGCCAGGTGCAGAGCTGGGGGAGGG-3'
Protein context (NP_113621.1, residues 332-352): SVPAGHSIEL[Gln342Pro]FHNFSLEAQD

ClinVar aggregate classification (germline): Uncertain significance (1 of 4 stars; one submission).

Conditions:
Isolated microphthalmia 5. Also called: Posterior Microphthalmia with Retinitis Pigmentosa, Foveoschisis, and Optic Disc Drusen. Identifiers: Orphanet 251279, MedGen C1970236, MONDO:0012605, OMIM 611040.

Allele frequency attached by ClinVar (database versions not stated): gnomAD exomes below 0.00001.
gnomAD v4.1: 3 of 1,613,658 alleles (0.00019%); highest among the groups gnomAD compares: Non-Finnish European, 0.00025%; no homozygotes.

Submission:

Labcorp Genetics (formerly Invitae), Labcorp
Classification: Uncertain significance for Isolated microphthalmia 5. Last evaluated: 2020-01-08. Review status: criteria provided, single submitter. Criteria: Invitae Variant Classification Sherloc (09022015). Collection method: clinical testing. Allele origin: germline.
Comment: This sequence change replaces glutamine with proline at codon 342 of the MFRP protein (p.Gln342Pro). The glutamine residue is weakly conserved and there is a moderate physicochemical difference between glutamine and proline. This variant is not present in population databases (ExAC no frequency). This variant has not been reported in the literature in individuals with MFRP-related conditions. Algorithms developed to predict the effect of missense changes on protein structure and function are either unavailable or do not agree on the potential impact of this missense change (SIFT: "Tolerated"; PolyPhen-2: "Possibly Damaging"; Align-GVGD: "Class C0"). In summary, the available evidence is currently insufficient to determine the role of this variant in disease. Therefore, it has been classified as a Variant of Uncertain Significance.